The following is an entry in ClinVar:

ClinVar aggregate classification (germline): Likely pathogenic. Review status: criteria provided, multiple submitters, no conflicts (2 of 4 stars). 7 submissions from 7 submitters: Likely pathogenic (6). 1 of the submissions does not count toward it. Last evaluated 2025-10-06.

Conditions:
COL17A1-related disorder. Also called: COL17A1-related condition.
Epithelial recurrent erosion dystrophy (ERED). Also called: CORNEAL EROSIONS, RECURRING HEREDITARY. Identifiers: Orphanet 293381, MedGen C1852551, MONDO:0007381, OMIM 122400.
Epidermolysis bullosa, junctional 4, intermediate. Also called: Epidermolysis bullosa, junctional, localisata variant; EPIDERMOLYSIS BULLOSA, JUNCTIONAL 4, NON-HERLITZ TYPE; EPIDERMOLYSIS BULLOSA, GENERALIZED ATROPHIC BENIGN. Identifiers: MedGen C2608084, MONDO:0030750, OMIM 619787.
Junctional epidermolysis bullosa. Identifiers: Orphanet 305, MedGen C0079301, MONDO:0017612.
Junctional epidermolysis bullosa, non-Herlitz type. Also called: Epidermolysis bullosa, junctional, non-herlitz type, somatic mosaic revertant; EPIDERMOLYSIS BULLOSA, JUNCTIONAL 1A, INTERMEDIATE; Adult junctional epidermolysis bullosa; EPIDERMOLYSIS BULLOSA JUNCTIONALIS, DISENTIS TYPE; EPIDERMOLYSIS BULLOSA JUNCTIONALIS, NON-HERLITZ TYPE; EPIDERMOLYSIS BULLOSA JUNCTIONALIS, PROGRESSIVE. Identifiers: Orphanet 251393, Orphanet 79402, Orphanet 79405, Orphanet 89840, MedGen C0268374, MONDO:0009180, OMIM 226650.

Allele frequency attached by ClinVar (database versions not stated): gnomAD exomes 0.00003 and 0.00006; ExAC 0.00011; gnomAD 0.00024 and 0.00026; TOPMed 0.00030; 1000 Genomes Project 30x 0.00031; ESP Exome Variant Server 0.00040.

Submissions (7):

Labcorp Genetics (formerly Invitae), Labcorp
Classification: Likely pathogenic. Last evaluated: 2025-10-06. Review status: criteria provided, single submitter. Criteria: Invitae Variant Classification Sherloc (09022015). Collection method: clinical testing. Allele origin: germline.
Comment: This sequence change affects a splice site in intron 48 of the COL17A1 gene. It is expected to disrupt RNA splicing. Variants that disrupt the donor or acceptor splice site typically lead to a loss of protein function (PMID: 16199547), and loss-of-function variants in COL17A1 are known to be pathogenic (PMID: 16473856, 17344927, 20301304, 21357940, 24319098). This variant is present in population databases (rs775244527, gnomAD 0.1%). This variant has not been reported in the literature in individuals affected with COL17A1-related conditions. ClinVar contains an entry for this variant (Variation ID: 623160). Algorithms developed to predict the effect of sequence changes on RNA splicing suggest that this variant may disrupt the consensus splice site. In summary, the currently available evidence indicates that the variant is pathogenic, but additional data are needed to prove that conclusively. Therefore, this variant has been classified as Likely Pathogenic.

Women's Health and Genetics/Laboratory Corporation of America, LabCorp
Classification: Likely pathogenic for Junctional epidermolysis bullosa. Last evaluated: 2025-04-09. Review status: criteria provided, single submitter. Criteria: LabCorp Variant Classification Summary - May 2015. Collection method: clinical testing. Allele origin: germline.
Comment: Variant summary: COL17A1 c.3418+2delT is located in a canonical splice-site and is predicted to affect mRNA splicing resulting in a significantly altered protein due to either exon skipping, shortening, or inclusion of intronic material. Variants that disrupt the consensus splice site are a relatively common cause of aberrant splicing and loss of COL17A1 function. Several computational tools predict a significant impact on normal splicing: Four predict the variant abolishes a 5 splicing donor site. However, these predictions have yet to be confirmed by functional studies. The variant allele was found at a frequency of 6.4e-05 in 251272 control chromosomes. This frequency is not significantly higher than estimated for a pathogenic variant in COL17A1 causing Junctional Epidermolysis Bullosa, allowing no conclusion about variant significance. To our knowledge, no occurrence of c.3418+2delT in individuals affected with Junctional Epidermolysis Bullosa and no experimental evidence demonstrating its impact on protein function have been reported. ClinVar contains an entry for this variant (Variation ID: 623160). Based on the evidence outlined above, the variant was classified as likely pathogenic.

First Genomix Gene Laboratory, Genetic Diagnostics Department
Classification: Likely pathogenic for Epidermolysis bullosa, junctional 4, intermediate. Last evaluated: 2025-03-26. Review status: criteria provided, single submitter. Criteria: ACMG Guidelines, 2015. Collection method: clinical testing. Allele origin: germline. Inheritance: Autosomal recessive inheritance. Affected: no. Observed: 1 variant allele.

Fulgent Genetics
Classification: Likely pathogenic for Epithelial recurrent erosion dystrophy; Epidermolysis bullosa, junctional 4, intermediate. Last evaluated: 2024-04-09. Review status: criteria provided, single submitter. Criteria: ACMG Guidelines, 2015. Collection method: clinical testing. Allele origin: germline.

Genomic Medicine Center of Excellence, King Faisal Specialist Hospital and Research Centre
Classification: Likely pathogenic for Epidermolysis bullosa, junctional 4, intermediate. Last evaluated: 2024-03-29. Review status: criteria provided, single submitter. Criteria: ACMG Guidelines, 2015. Collection method: clinical testing. Allele origin: germline.

Molecular Diagnostics Laboratory, M Health Fairview: University of Minnesota
Classification: Likely pathogenic for generalized atrophic benign epidermolysis bullosa. Last evaluated: 2017-04-13. Review status: criteria provided, single submitter. Criteria: ACMG Guidelines, 2015. Collection method: clinical testing. Allele origin: germline. Affected: yes. Observed: 1 variant allele.

PreventionGenetics, part of Exact Sciences
Classification: Likely pathogenic for COL17A1-related condition. Last evaluated: 2024-04-22. Review status: no assertion criteria provided. Collection method: clinical testing. Allele origin: germline. Not counted in ClinVar's aggregate classification.
Comment: The COL17A1 c.3418+2delT variant is predicted to result in a deletion affecting a canonical splice site. Based on available splicing prediction programs (Alamut Visual v1.6.1; SpliceAI, Jaganathan et al. 2019. PubMed ID: 30661751), this variant is predicted to abolish the consensus splice donor site. To our knowledge, this variant has not been reported in the literature. This variant is reported in 0.11% of alleles in individuals of African descent in gnomAD. Variants that disrupt the consensus splice donor site in COL17A1 are expected to be pathogenic. This variant is interpreted as likely pathogenic.

Literature cited by the submitters: PubMed 16199547 (cited by Labcorp Genetics (formerly Invitae), Labcorp); PubMed 16473856 (cited by Labcorp Genetics (formerly Invitae), Labcorp); PubMed 17344927 (cited by Labcorp Genetics (formerly Invitae), Labcorp); PubMed 20301304 (cited by Labcorp Genetics (formerly Invitae), Labcorp); PubMed 21357940 (cited by Labcorp Genetics (formerly Invitae), Labcorp); PubMed 24319098 (cited by Labcorp Genetics (formerly Invitae), Labcorp); PubMed 10636730 (cited by Molecular Diagnostics Laboratory, M Health Fairview: University of Minnesota); PubMed 11406649 (cited by Molecular Diagnostics Laboratory, M Health Fairview: University of Minnesota); PubMed 14614394 (cited by Molecular Diagnostics Laboratory, M Health Fairview: University of Minnesota).

NM_000494.4(COL17A1):c.3418+2del

Gene: COL17A1 (collagen type XVII alpha 1 chain; minus strand). Cytogenetic location: 10q25.1.
Variant type: Deletion.
Coding change: c.3418+2del on transcript NM_000494.4 (MANE Select); the canonical splice donor site of the intron after coding-DNA position 3418, one base deleted (T; older notation c.3418+2delT).
Molecular consequence: splice donor variant.
Genome position (GRCh38, 1-based): chr10:104,036,490, A deleted on the plus strand (T on the coding strand, the reverse complement: COL17A1 is on the minus strand). VCF-style (leftmost placement, unchanged base first): chr10-104036489-TA-T. GRCh37 (hg19) VCF-style: chr10-105796247-TA-T.
Other names: c.3418+2delT (NM_000494.4).
Identifiers: ClinVar variation 623160 (VCV000623160.13), dbSNP rs775244527, ClinGen allele CA5677996.